The following is an entry in ClinVar:

NM_002691.4(POLD1):c.657C>T (p.Leu219=)

Gene: POLD1 (DNA polymerase delta 1, catalytic subunit; plus strand). Cytogenetic location: 19q13.33.
Variant type: single nucleotide variant.
Coding change: c.657C>T on transcript NM_002691.4 (MANE Select); coding-DNA position 657, C replaced by T.
Protein change: p.Leu219=; no amino-acid change (leucine 219 retained).
Molecular consequence: synonymous variant. On other transcripts: non-coding transcript variant (1).
Genome position (GRCh38, 1-based): chr19:50,402,272, C>T. VCF-style: chr19-50402272-C-T. GRCh37 (hg19) VCF-style: chr19-50905529-C-T.
Other names: c.657C>T, p.Leu219= (NM_001256849.1, NM_001308632.1).
Identifiers: ClinVar variation 484339 (VCV000484339.23), dbSNP rs777751728, ClinGen allele CA9595852.

ClinVar aggregate classification (germline): Likely benign. Review status: criteria provided, multiple submitters, no conflicts (2 of 4 stars). 7 submissions from 7 submitters: Likely benign (6). 1 of the submissions does not count toward it. Last evaluated 2026-01-20.

Conditions:
POLD1-related disorder. Also called: POLD1-related disorders; POLD1-related condition.
POLD1-related polyposis and colorectal cancer syndrome (CRCS10). Also called: Colorectal cancer 10; COLORECTAL CANCER, SUSCEPTIBILITY TO, ON CHROMOSOME 19q; Colorectal cancer, susceptibility to, 10. Identifiers: Orphanet 220460, MedGen C2675481, MONDO:0012953, OMIM 612591.
Hereditary cancer-predisposing syndrome. Also called: Tumor predisposition; Hereditary Cancer Syndrome; Hereditary neoplastic syndrome; Neoplastic Syndromes, Hereditary. Identifiers: Orphanet 140162, MedGen C0027672, MeSH D009386, MONDO:0015356.

Allele frequency attached by ClinVar (database versions not stated): ExAC 0.00001; gnomAD exomes 0.00001; TOPMed 0.00001.
gnomAD v4.1: 16 of 1,606,104 alleles (0.001%); highest among the groups gnomAD compares: African/African-American, 0.0027%; no homozygotes.

Submissions (7):

Labcorp Genetics (formerly Invitae), Labcorp
Classification: Likely benign for POLD1-related polyposis and colorectal cancer syndrome. Last evaluated: 2026-01-20. Review status: criteria provided, single submitter. Criteria: Invitae Variant Classification Sherloc (09022015). Collection method: clinical testing. Allele origin: germline.

Blueprint Genetics
Classification: Likely benign. Last evaluated: 2024-11-17. Review status: criteria provided, single submitter. Criteria: ACMG Guidelines, 2015. Collection method: clinical testing. Allele origin: germline.

Sema4
Classification: Likely benign for Hereditary cancer-predisposing syndrome. Last evaluated: 2021-04-13. Review status: criteria provided, single submitter. Criteria: Sema4 Curation Guidelines. Collection method: curation. Allele origin: germline.

Mendelics
Classification: Likely benign for POLD1-related polyposis and colorectal cancer syndrome. Last evaluated: 2019-05-28. Review status: criteria provided, single submitter. Criteria: Mendelics Assertion Criteria 2017. Collection method: clinical testing. Allele origin: unknown.

Quest Diagnostics Nichols Institute San Juan Capistrano
Classification: Likely benign. Last evaluated: 2017-12-10. Review status: criteria provided, single submitter. Criteria: Quest Diagnostics criteria. Collection method: clinical testing. Allele origin: germline.

Ambry Genetics
Classification: Likely benign for Hereditary cancer-predisposing syndrome. Last evaluated: 2017-04-19. Review status: criteria provided, single submitter. Criteria: Ambry Variant Classification Scheme 2023. Collection method: clinical testing. Allele origin: germline.

PreventionGenetics, part of Exact Sciences
Classification: Likely benign for POLD1-related condition. Last evaluated: 2022-02-08. Review status: no assertion criteria provided. Collection method: clinical testing. Allele origin: germline. Not counted in ClinVar's aggregate classification.
Comment: This variant is classified as likely benign based on ACMG/AMP sequence variant interpretation guidelines (Richards et al. 2015 PMID: 25741868, with internal and published modifications).